The following is an entry in ClinVar:

ClinVar aggregate classification (germline): Benign. Review status: criteria provided, multiple submitters, no conflicts (2 of 4 stars). 4 submissions from 3 submitters: Benign (4). Last evaluated 2018-06-26.

Conditions:
Charcot-Marie-Tooth disease axonal type 2O. Also called: CHARCOT-MARIE-TOOTH NEUROPATHY, AXONAL, TYPE 2O; CHARCOT-MARIE-TOOTH DISEASE, AXONAL, AUTOSOMAL DOMINANT, TYPE 2O; Charcot-Marie-Tooth Neuropathy Type 2O; Charcot-Marie-Tooth disease, axonal, type 20. Identifiers: Orphanet 284232, MedGen C3280220, MONDO:0013644, OMIM 614228.
Autosomal dominant cerebellar ataxia. Also called: Spinocerebellar Ataxia, Dominant. Identifiers: Orphanet 99, MedGen C4087347, MONDO:0020380.

Allele frequency attached by ClinVar (database versions not stated): gnomAD 0.04745 and 0.04461; TOPMed 0.04917; 1000 Genomes Project 30x 0.04513; gnomAD exomes 0.01293; 1000 Genomes Project 0.04153.
gnomAD v4.1: 15,529 of 820,188 alleles (1.9%); highest among the groups gnomAD compares: African/African-American, 14%; 667 homozygotes.

Submissions (4):

GeneDx
Classification: Benign. Last evaluated: 2018-06-26. Review status: criteria provided, single submitter. Criteria: GeneDx Variant Classification Process June 2021. Collection method: clinical testing. Allele origin: germline. Affected: yes.

Illumina Laboratory Services, Illumina
Classification: Benign for Charcot-Marie-Tooth disease axonal type 2O. Last evaluated: 2018-01-12. Review status: criteria provided, single submitter. Criteria: ICSL Variant Classification Criteria 13 December 2019. Collection method: clinical testing. Allele origin: germline.
Comment: This variant was observed in the ICSL laboratory as part of a predisposition screen in an ostensibly healthy population. It had not been previously curated by ICSL or reported in the Human Gene Mutation Database (HGMD: prior to June 1st, 2018), and was therefore a candidate for classification through an automated scoring system. Utilizing variant allele frequency, disease prevalence and penetrance estimates, and inheritance mode, an automated score was calculated to assess if this variant is too frequent to cause the disease. Based on the score and internal cut-off values, a variant classified as benign is not then subjected to further curation. The score for this variant resulted in a classification of benign for this disease.

Illumina Laboratory Services, Illumina
Classification: Benign for Spinocerebellar Ataxia, Dominant. Last evaluated: 2018-01-12. Review status: criteria provided, single submitter. Criteria: ICSL Variant Classification Criteria 13 December 2019. Collection method: clinical testing. Allele origin: germline.
Comment: the same text as in the submission from Illumina Laboratory Services, Illumina above.

Breakthrough Genomics
Classification: Benign. Review status: criteria provided, single submitter. Criteria: ACMG Guidelines, 2015. Collection method: not provided. Allele origin: germline. Inheritance: Autosomal dominant inheritance. Affected: yes.

NM_001376.5(DYNC1H1):c.*190A>G

Genes: DYNC1H1 (dynein cytoplasmic 1 heavy chain 1; plus strand), LOC125078040 (Sharpr-MPRA regulatory region 9666; plus strand). Cytogenetic location: 14q32.31.
Variant type: single nucleotide variant.
Coding change: c.*190A>G on transcript NM_001376.5 (MANE Select); 190 bases downstream of the stop codon, A replaced by G.
Molecular consequence: 3 prime UTR variant.
Genome position (GRCh38, 1-based): chr14:102,050,753, A>G. VCF-style: chr14-102050753-A-G. GRCh37 (hg19) VCF-style: chr14-102517090-A-G.
Identifiers: ClinVar variation 312670 (VCV000312670.8), dbSNP rs13901, ClinGen allele CA10643813.